The following is an entry in ClinVar:

ClinVar aggregate classification (germline): Uncertain significance (1 of 4 stars; one submission).

Allele frequency attached by ClinVar (database versions not stated): TOPMed below 0.00001.

Submission:

Labcorp Genetics (formerly Invitae), Labcorp
Classification: Uncertain significance. Last evaluated: 2022-05-24. Review status: criteria provided, single submitter. Criteria: Invitae Variant Classification Sherloc (09022015). Collection method: clinical testing. Allele origin: germline.
Comment: Algorithms developed to predict the effect of missense changes on protein structure and function (SIFT, PolyPhen-2, Align-GVGD) all suggest that this variant is likely to be disruptive. This variant has not been reported in the literature in individuals affected with PACS2-related conditions. This variant is not present in population databases (gnomAD no frequency). This sequence change replaces aspartic acid, which is acidic and polar, with valine, which is neutral and non-polar, at codon 399 of the PACS2 protein (p.Asp399Val). In summary, the available evidence is currently insufficient to determine the role of this variant in disease. Therefore, it has been classified as a Variant of Uncertain Significance.

NM_001100913.3(PACS2):c.1196A>T (p.Asp399Val)

Gene: PACS2 (phosphofurin acidic cluster sorting protein 2; plus strand). Cytogenetic location: 14q32.33.
Variant type: single nucleotide variant.
Coding change: c.1196A>T on transcript NM_001100913.3 (MANE Select); coding-DNA position 1196, A replaced by T.
Protein change: p.Asp399Val; replaces aspartic acid 399 with valine.
Molecular consequence: missense variant.
Genome position (GRCh38, 1-based): chr14:105,381,027, A>T. VCF-style: chr14-105381027-A-T. GRCh37 (hg19) VCF-style: chr14-105847364-A-T.
Other names: c.971A>T, p.Asp324Val (NM_001243127.3); c.1196A>T, p.Asp399Val (NM_015197.4); short protein forms D324V, D399V.
Identifiers: ClinVar variation 1995913 (VCV001995913.4), dbSNP rs2080973309, ClinGen allele CA391181293.